The following is an entry in ClinVar:

ClinVar aggregate classification (germline): Likely benign (1 of 4 stars; one submission).

Allele frequency attached by ClinVar (database versions not stated): TOPMed 0.00006; gnomAD exomes 0.00007; gnomAD 0.00010; ESP Exome Variant Server 0.00017; ExAC 0.00019.
gnomAD v4.1: 121 of 1,592,284 alleles (0.0076%); highest among the groups gnomAD compares: Non-Finnish European, 0.0087%; no homozygotes.

Submission:

CeGaT Center for Human Genetics Tuebingen
Classification: Likely benign. Last evaluated: 2025-05-01. Review status: criteria provided, single submitter. Criteria: CeGaT Center For Human Genetics Tuebingen Variant Classification Criteria Version 2. Collection method: clinical testing. Allele origin: germline. Affected: yes. Observed: 2 variant alleles.
Comment: ZNF292: BP4

NM_015021.3(ZNF292):c.515A>G (p.Gln172Arg)

Gene: ZNF292 (zinc finger protein 292; plus strand). Cytogenetic location: 6q14.3.
Variant type: single nucleotide variant.
Coding change: c.515A>G on transcript NM_015021.3 (MANE Select); coding-DNA position 515, A replaced by G.
Protein change: p.Gln172Arg; replaces glutamine 172 with arginine.
Molecular consequence: missense variant.
Genome position (GRCh38, 1-based): chr6:87,218,708, A>G. VCF-style: chr6-87218708-A-G. GRCh37 (hg19) VCF-style: chr6-87928426-A-G.
Other names: c.95A>G, p.Gln32Arg (NM_001351444.2); short protein forms Q172R, Q32R.
Identifiers: ClinVar variation 2656736 (VCV002656736.24), dbSNP rs375133485, ClinGen allele CA3913671.
Genomic context (GRCh38, chr6:87,218,708, plus strand): 5'-CTACTCTAGCTCAAGAGACTGGGGTGTGGAAAAACCCGGTACTGTGCACTATTCTTTCCC[A>G]GGAACCATTGGATAAGGATAAAGGTAAATTTTCGAGAGACAGAGAAAAAAAAGAATAATT-3'
Protein context (NP_055836.1, residues 162-182): KNPVLCTILS[Gln172Arg]EPLDKDKVNE